The following is an entry in ClinVar:

NM_000038.6(APC):c.121G>A (p.Ala41Thr)

Gene: APC (APC regulator of Wnt signaling pathway; plus strand). Cytogenetic location: 5q22.2.
Variant type: single nucleotide variant.
Coding change: c.121G>A on transcript NM_000038.6 (MANE Select); coding-DNA position 121, G replaced by A.
Protein change: p.Ala41Thr; replaces alanine 41 with threonine.
Molecular consequence: missense variant. On other transcripts: 5 prime UTR variant (1), intron variant (8).
Genome position (GRCh38, 1-based): chr5:112,755,011, G>A. VCF-style: chr5-112755011-G-A. GRCh37 (hg19) VCF-style: chr5-112090708-G-A.
Other names: c.121G>A, p.Ala41Thr (NM_001127510.3, NM_001354899.2, NM_001354903.2 and 2 more transcripts); c.-915G>A (NM_001354906.2); c.166-11315G>A (NM_001354897.2, NM_001354902.2, NM_001127511.3); c.61-11315G>A (NM_001354898.2, NM_001354904.2); c.-42-11315G>A (NM_001354900.2, NM_001354901.2, NM_001354905.2); short protein forms A41T.
Identifiers: ClinVar variation 490189 (VCV000490189.15), dbSNP rs1554067157, ClinGen allele CA16021606.

ClinVar aggregate classification (germline): Conflicting classifications of pathogenicity. Review status: criteria provided, conflicting classifications (1 of 4 stars). 3 submissions from 3 submitters: Uncertain significance (2); Likely benign (1). Last evaluated 2025-10-28.

Conditions:
Hereditary cancer-predisposing syndrome. Also called: Hereditary Cancer Syndrome; Neoplastic Syndromes, Hereditary; Tumor predisposition; Hereditary neoplastic syndrome. Identifiers: Orphanet 140162, MedGen C0027672, MeSH D009386, MONDO:0015356.
Familial adenomatous polyposis 1 (FAP1). Also called: POLYPOSIS, ADENOMATOUS INTESTINAL; FAMILIAL ADENOMATOUS POLYPOSIS 1, ATTENUATED. Identifiers: MedGen C2713442, MONDO:0021056, OMIM 175100. Disease mechanism: loss of function.

Allele frequency attached by ClinVar (database versions not stated): gnomAD exomes below 0.00001.

Submissions (3):

Color Diagnostics, LLC DBA Color Health
Classification: Likely benign for Hereditary cancer-predisposing syndrome. Last evaluated: 2025-10-28. Review status: criteria provided, single submitter. Criteria: ACMG Guidelines, 2015. Collection method: clinical testing. Allele origin: germline.

Ambry Genetics
Classification: Uncertain significance for Hereditary cancer-predisposing syndrome. Last evaluated: 2025-06-24. Review status: criteria provided, single submitter. Criteria: Ambry Variant Classification Scheme 2023. Collection method: clinical testing. Allele origin: germline.
Comment: The p.A41T variant (also known as c.121G>A), located in coding exon 1 of the APC gene, results from a G to A substitution at nucleotide position 121. The alanine at codon 41 is replaced by threonine, an amino acid with similar properties. This variant was identified amongst 92 Chinese individuals with a clinical Peutz-Jeghers syndrome diagnosis (Jiang LX et al. World J Gastroenterol, 2023 Jun;29:3302-3317). This amino acid position is highly conserved in available vertebrate species. In addition, in silico predictors for this gene do not accurately predict pathogenicity. Missense alterations in APC are not a common cause of disease (Spier I et al. Genet Med. 2024 Feb;26(2):100992). Based on the available evidence, the clinical significance of this variant remains unclear.

Labcorp Genetics (formerly Invitae), Labcorp
Classification: Uncertain significance for Familial adenomatous polyposis 1. Last evaluated: 2024-10-27. Review status: criteria provided, single submitter. Criteria: Invitae Variant Classification Sherloc (09022015). Collection method: clinical testing. Allele origin: germline.
Comment: This sequence change replaces alanine, which is neutral and non-polar, with threonine, which is neutral and polar, at codon 41 of the APC protein (p.Ala41Thr). This variant is not present in population databases (gnomAD no frequency). This variant has not been reported in the literature in individuals affected with APC-related conditions. ClinVar contains an entry for this variant (Variation ID: 490189). Invitae Evidence Modeling of protein sequence and biophysical properties (such as structural, functional, and spatial information, amino acid conservation, physicochemical variation, residue mobility, and thermodynamic stability) indicates that this missense variant is not expected to disrupt APC protein function with a negative predictive value of 95%. In summary, the available evidence is currently insufficient to determine the role of this variant in disease. Therefore, it has been classified as a Variant of Uncertain Significance.

Literature cited by the submitters: PubMed 37377590 (cited by Ambry Genetics).